The following is an entry in ClinVar:

NM_001754.5(RUNX1):c.642C>A (p.Thr214=)

Gene: RUNX1 (RUNX family transcription factor 1; minus strand). Cytogenetic location: 21q22.12.
Variant type: single nucleotide variant.
Coding change: c.642C>A on transcript NM_001754.5 (MANE Select); coding-DNA position 642, C replaced by A.
Protein change: p.Thr214=; no amino-acid change (threonine 214 retained).
Molecular consequence: synonymous variant.
Genome position (GRCh38, 1-based): chr21:34,834,573, G>T on the plus strand (C>A on the coding strand, the complement: RUNX1 is on the minus strand). VCF-style: chr21-34834573-G-T. GRCh37 (hg19) VCF-style: chr21-36206870-G-T.
Other names: NM_001754.5(RUNX1):c.642C>A; p.Thr214=; c.561C>A, p.Thr187= (NM_001001890.3, NM_001122607.2); c.642C>A (NM_001754.4).
Identifiers: ClinVar variation 1077899 (VCV001077899.11), dbSNP rs919850103, ClinGen allele CA320603725.

ClinVar aggregate classification (germline): Likely benign. Review status: reviewed by expert panel (3 of 4 stars). 3 submissions from 3 submitters: Likely benign (1). 2 of the submissions do not count toward it. Last evaluated 2024-07-11.

Conditions:
Hereditary thrombocytopenia and hematologic cancer predisposition syndrome. Identifiers: Orphanet 71290, MedGen CN281654, MONDO:0011071.
Inborn genetic diseases. Identifiers: MedGen C0950123, MeSH D030342.
Hereditary thrombocytopenia and hematological cancer predisposition syndrome associated with RUNX1. Also called: PLATELET DISORDER, ASPIRIN-LIKE; RUNX1 Familial Platelet Disorder with Associated Myeloid Malignancies; Familial Platelet Disorder with Propensity to Acute Myelogenous Leukemia; Familial thrombocytopenia with propensity to acute myelogenous leukemia. Identifiers: Orphanet 71290, MedGen C1832388, MeSH C563324, MONDO:0100083, OMIM 601399.

Allele frequency attached by ClinVar (database versions not stated): gnomAD 0.00001; TOPMed 0.00001.
gnomAD v4.1: 6 of 1,612,228 alleles (0.00037%); highest among the groups gnomAD compares: Non-Finnish European, 0.00051%; no homozygotes.

Submissions (3):

ClinGen Myeloid Malignancy Variant Curation Expert Panel
Classification: Likely benign for Hereditary thrombocytopenia and hematologic cancer predisposition syndrome. Last evaluated: 2024-07-11. Review status: reviewed by expert panel. Criteria: ClinGen MyeloMalig ACMG Specifications v2. Collection method: curation. Allele origin: germline. Inheritance: Autosomal dominant inheritance.
Comment: NM_001754.5(RUNX1): c.642C>A (p.Thr214=) is a synonymous variant which is not located at a highly conserved nucleotide (PhyloP = 1.87127 in GRCh38), and SpliceAI does not predict (Δ scores ≤ 0.20) a significant impact on splicing (BP4, BP7). The variant has not been reported in the literature. In summary, this variant meets criteria to be classified as likely benign. ACMG/AMP criteria applied, as specified by the ClinGen Myeloid Malignancy Variant Curation Expert Panel for RUNX1: BP4, BP7.

Ambry Genetics
Classification: Likely benign for Inborn genetic diseases. Last evaluated: 2024-11-25. Review status: criteria provided, single submitter. Criteria: Ambry Variant Classification Scheme 2023. Collection method: clinical testing. Allele origin: germline. Not counted in ClinVar's aggregate classification.

Labcorp Genetics (formerly Invitae), Labcorp
Classification: Likely benign for Hereditary thrombocytopenia and hematological cancer predisposition syndrome associated with RUNX1. Last evaluated: 2024-06-03. Review status: criteria provided, single submitter. Criteria: Invitae Variant Classification Sherloc (09022015). Collection method: clinical testing. Allele origin: germline. Not counted in ClinVar's aggregate classification.